The following is an entry in ClinVar:

NM_020911.2(PLXNA4):c.5574C>A (p.Gly1858=)

Gene: PLXNA4 (plexin A4; minus strand). Cytogenetic location: 7q32.3.
Variant type: single nucleotide variant.
Coding change: c.5574C>A on transcript NM_020911.2 (MANE Select); coding-DNA position 5574, C replaced by A.
Protein change: p.Gly1858=; no amino-acid change (glycine 1858 retained).
Molecular consequence: synonymous variant.
Genome position (GRCh38, 1-based): chr7:132,133,064, G>T on the plus strand (C>A on the coding strand, the complement: PLXNA4 is on the minus strand). VCF-style: chr7-132133064-G-T. GRCh37 (hg19) VCF-style: chr7-131817823-G-T.
Other names: c.5574C>A, p.Gly1858= (NM_001393897.1).
Identifiers: ClinVar variation 3041340 (VCV003041340.2), dbSNP rs190064899, ClinGen allele CA4488871.

ClinVar aggregate classification (germline): Likely benign (0 of 4 stars; one submission).

Conditions:
PLXNA4-related disorder. Also called: PLXNA4-related condition.

Allele frequency attached by ClinVar (database versions not stated): 1000 Genomes Project 30x 0.00078; 1000 Genomes Project 0.00080; TOPMed 0.00203; gnomAD 0.00244; ESP Exome Variant Server 0.00256.
gnomAD v4.1: 5,167 of 1,613,990 alleles (0.32%); highest among the groups gnomAD compares: Non-Finnish European, 0.37%; 18 homozygotes.

Submission:

PreventionGenetics, part of Exact Sciences
Classification: Likely benign for PLXNA4-related condition. Last evaluated: 2021-05-26. Review status: no assertion criteria provided. Collection method: clinical testing. Allele origin: germline.
Comment: This variant is classified as likely benign based on ACMG/AMP sequence variant interpretation guidelines (Richards et al. 2015 PMID: 25741868, with internal and published modifications).